The following is an entry in ClinVar:

NM_014915.3(ANKRD26):c.101C>T (p.Ala34Val)

Genes: ANKRD26 (ankyrin repeat domain 26; minus strand), LOC130003554 (ATAC-STARR-seq lymphoblastoid silent region 2243; plus strand). Cytogenetic location: 10p12.1.
Variant type: single nucleotide variant.
Coding change: c.101C>T on transcript NM_014915.3 (MANE Select); coding-DNA position 101, C replaced by T.
Protein change: p.Ala34Val; replaces alanine 34 with valine.
Molecular consequence: missense variant.
Genome position (GRCh38, 1-based): chr10:27,100,226, G>A on the plus strand (C>T on the coding strand, the complement: ANKRD26 is on the minus strand). VCF-style: chr10-27100226-G-A. GRCh37 (hg19) VCF-style: chr10-27389155-G-A.
Other names: c.101C>T, p.Ala34Val (NM_001256053.2); short protein forms A34V.
Identifiers: ClinVar variation 299764 (VCV000299764.16), dbSNP rs368560982, ClinGen allele CA5449068.

ClinVar aggregate classification (germline): Conflicting classifications of pathogenicity. Review status: criteria provided, conflicting classifications (1 of 4 stars). 6 submissions from 6 submitters: Uncertain significance (1); Benign (3); Likely benign (2). Last evaluated 2026-01-25.

Conditions:
Inborn genetic diseases. Identifiers: MedGen C0950123, MeSH D030342.
Thrombocytopenia 2 (THC2). Also called: ANKRD26-Related Thrombocytopenia. Identifiers: Orphanet 268322, MedGen C1861185, MONDO:0008555, OMIM 188000.

Allele frequency attached by ClinVar (database versions not stated): gnomAD 0.00013 and 0.00014; TOPMed 0.00015; ExAC 0.00025; ESP Exome Variant Server 0.00025; gnomAD exomes 0.00029.
gnomAD v4.1: 239 of 1,612,736 alleles (0.015%); highest among the groups gnomAD compares: Middle Eastern, 0.05%; 1 homozygote.

Submissions (6):

Labcorp Genetics (formerly Invitae), Labcorp
Classification: Benign. Last evaluated: 2026-01-25. Review status: criteria provided, single submitter. Criteria: Invitae Variant Classification Sherloc (09022015). Collection method: clinical testing. Allele origin: germline.

Blueprint Genetics
Classification: Likely benign. Last evaluated: 2024-11-18. Review status: criteria provided, single submitter. Criteria: ACMG Guidelines, 2015. Collection method: clinical testing. Allele origin: germline.

Ambry Genetics
Classification: Uncertain significance for Inborn genetic diseases. Last evaluated: 2024-10-15. Review status: criteria provided, single submitter. Criteria: Ambry Variant Classification Scheme 2023. Collection method: clinical testing. Allele origin: germline.
Comment: The p.A34V variant (also known as c.101C>T), located in coding exon 1 of the ANKRD26 gene, results from a C to T substitution at nucleotide position 101. The alanine at codon 34 is replaced by valine, an amino acid with similar properties. This amino acid position is conserved. In addition, this alteration is predicted to be tolerated by in silico analysis. Based on the available evidence, the clinical significance of this variant remains unclear.

Genome-Nilou Lab
Classification: Benign for Thrombocytopenia 2. Last evaluated: 2021-12-05. Review status: criteria provided, single submitter. Criteria: ACMG Guidelines, 2015. Collection method: clinical testing. Allele origin: germline. Affected: no.

Genetic Services Laboratory, University of Chicago
Classification: Likely benign. Last evaluated: 2020-09-25. Review status: criteria provided, single submitter. Criteria: ACMG Guidelines, 2015. Collection method: clinical testing. Allele origin: germline. Affected: no.

Illumina Laboratory Services, Illumina
Classification: Benign for Thrombocytopenia 2. Last evaluated: 2018-01-12. Review status: criteria provided, single submitter. Criteria: ICSL Variant Classification Criteria 13 December 2019. Collection method: clinical testing. Allele origin: germline.
Comment: This variant was observed in the ICSL laboratory as part of a predisposition screen in an ostensibly healthy population. It had not been previously curated by ICSL or reported in the Human Gene Mutation Database (HGMD: prior to June 1st, 2018), and was therefore a candidate for classification through an automated scoring system. Utilizing variant allele frequency, disease prevalence and penetrance estimates, and inheritance mode, an automated score was calculated to assess if this variant is too frequent to cause the disease. Based on the score and internal cut-off values, a variant classified as benign is not then subjected to further curation. The score for this variant resulted in a classification of benign for this disease.